The following is an entry in ClinVar:

NM_003001.5(SDHC):c.21-10T>C

Gene: SDHC (succinate dehydrogenase complex subunit C; plus strand). Cytogenetic location: 1q23.3.
Variant type: single nucleotide variant.
Coding change: c.21-10T>C on transcript NM_003001.5 (MANE Select); 10 bases into the intron before coding-DNA position 21, T replaced by C.
Molecular consequence: intron variant.
Genome position (GRCh38, 1-based): chr1:161,323,604, T>C. VCF-style: chr1-161323604-T-C. GRCh37 (hg19) VCF-style: chr1-161293394-T-C.
Other names: c.-91-10T>C (NM_001407119.1); c.-209-10T>C (NM_001407120.1); c.21-10T>C (NM_001407115.1, NM_001035511.3, NM_001035512.3 and 2 more transcripts); c.21-4792T>C (NM_001407116.1, NM_001407121.1, NM_001407117.1); c.20+9179T>C (NM_001035513.3).
Identifiers: ClinVar variation 758279 (VCV000758279.13), dbSNP rs771805280, ClinGen allele CA046463.

ClinVar aggregate classification (germline): Likely benign. Review status: criteria provided, multiple submitters, no conflicts (2 of 4 stars). 2 submissions from 2 submitters: Likely benign (2). Last evaluated 2025-03-14.

Conditions:
Gastrointestinal stromal tumor. Also called: Gastrointestinal stromal tumor, somatic; Gastrointestinal stroma tumor. Identifiers: Orphanet 44890, MedGen C0238198, MeSH D046152, MONDO:0011719, OMIM 606764, HP:0100723.
Pheochromocytoma/paraganglioma syndrome 3. Also called: SDHC-Related Hereditary Paraganglioma-Pheochromocytoma Syndrome (Paragangliomas 3); SDHC-Related Hereditary Paraganglioma-Pheochromocytoma Syndrome; GLOMUS TUMORS, FAMILIAL, 3; Paragangliomas 3. Identifiers: Orphanet 29072, MedGen C1854336, MONDO:0011544, OMIM 605373.

Allele frequency attached by ClinVar (database versions not stated): gnomAD exomes below 0.00001; ExAC 0.00001.

Submissions (2):

Myriad Genetics, Inc.
Classification: Likely benign for Pheochromocytoma/paraganglioma syndrome 3. Last evaluated: 2025-03-14. Review status: criteria provided, single submitter. Criteria: Myriad Autosomal Dominant, Autosomal Recessive and X-Linked Classification Criteria (2023). Collection method: clinical testing. Allele origin: unknown.
Comment: This variant is considered likely benign. This variant is intronic and is not expected to impact mRNA splicing.

Labcorp Genetics (formerly Invitae), Labcorp
Classification: Likely benign for Pheochromocytoma/paraganglioma syndrome 3; Gastrointestinal stromal tumor. Last evaluated: 2023-10-18. Review status: criteria provided, single submitter. Criteria: Invitae Variant Classification Sherloc (09022015). Collection method: clinical testing. Allele origin: germline.